The following is an entry in ClinVar:

ClinVar aggregate classification (germline): Uncertain significance. Review status: criteria provided, multiple submitters, no conflicts (2 of 4 stars). 2 submissions from 2 submitters: Uncertain significance (2). Last evaluated 2025-07-01.

Conditions:
Inborn genetic diseases. Identifiers: MedGen C0950123, MeSH D030342.
Developmental and epileptic encephalopathy, 23 (DEE23). Also called: Epileptic encephalopathy, early infantile, 23. Identifiers: Orphanet 411986, MedGen C4014492, MONDO:0014371, OMIM 615859.

Allele frequency attached by ClinVar (database versions not stated): ExAC 0.00001.

Submissions (2):

Ambry Genetics
Classification: Uncertain significance for Inborn genetic diseases. Last evaluated: 2025-07-01. Review status: criteria provided, single submitter. Criteria: Ambry Variant Classification Scheme 2023. Collection method: clinical testing. Allele origin: germline.

Labcorp Genetics (formerly Invitae), Labcorp
Classification: Uncertain significance for Developmental and epileptic encephalopathy, 23. Last evaluated: 2022-05-07. Review status: criteria provided, single submitter. Criteria: Invitae Variant Classification Sherloc (09022015). Collection method: clinical testing. Allele origin: germline.
Comment: This sequence change replaces methionine, which is neutral and non-polar, with leucine, which is neutral and non-polar, at codon 1392 of the DOCK7 protein (p.Met1392Leu). This variant is present in population databases (rs763190572, gnomAD 0.004%). This variant has not been reported in the literature in individuals affected with DOCK7-related conditions. Algorithms developed to predict the effect of missense changes on protein structure and function (SIFT, PolyPhen-2, Align-GVGD) all suggest that this variant is likely to be tolerated. In summary, the available evidence is currently insufficient to determine the role of this variant in disease. Therefore, it has been classified as a Variant of Uncertain Significance.

NM_001367561.1(DOCK7):c.4174A>T (p.Met1392Leu)

Gene: DOCK7 (dedicator of cytokinesis 7; minus strand). Cytogenetic location: 1p31.3.
Variant type: single nucleotide variant.
Coding change: c.4174A>T on transcript NM_001367561.1 (MANE Select); coding-DNA position 4174, A replaced by T.
Protein change: p.Met1392Leu; replaces methionine 1392 with leucine.
Molecular consequence: missense variant.
Genome position (GRCh38, 1-based): chr1:62,513,552, T>A on the plus strand (A>T on the coding strand, the complement: DOCK7 is on the minus strand). VCF-style: chr1-62513552-T-A. GRCh37 (hg19) VCF-style: chr1-62979223-T-A.
Other names: c.4081A>T (NM_033407.2); c.4174A>T, p.Met1392Leu (NM_001271999.2, NM_001330614.2); c.4081A>T, p.Met1361Leu (NM_001272000.2, NM_001272001.2, NM_033407.4); short protein forms M1392L, M1361L.
Identifiers: ClinVar variation 2068486 (VCV002068486.2), dbSNP rs763190572, ClinGen allele CA885774.